The following is an entry in ClinVar:

NM_015102.5(NPHP4):c.3644C>T (p.Ser1215Leu)

Gene: NPHP4 (nephrocystin 4; minus strand). Cytogenetic location: 1p36.31.
Variant type: single nucleotide variant.
Coding change: c.3644C>T on transcript NM_015102.5 (MANE Select); coding-DNA position 3644, C replaced by T.
Protein change: p.Ser1215Leu; replaces serine 1215 with leucine.
Molecular consequence: missense variant. On other transcripts: non-coding transcript variant (1).
Genome position (GRCh38, 1-based): chr1:5,866,373, G>A on the plus strand (C>T on the coding strand, the complement: NPHP4 is on the minus strand). VCF-style: chr1-5866373-G-A. GRCh37 (hg19) VCF-style: chr1-5926433-G-A.
Other names: c.2105C>T, p.Ser702Leu (NM_001291593.2); c.2108C>T, p.Ser703Leu (NM_001291594.2); c.3644C>T (NM_015102.4); short protein forms S1215L, S702L, S703L.
Identifiers: ClinVar variation 2163523 (VCV002163523.5), dbSNP rs1035793129, ClinGen allele CA17129854.

ClinVar aggregate classification (germline): Uncertain significance. Review status: criteria provided, single submitter (1 of 4 stars). 2 submissions from 2 submitters: Uncertain significance (1). 1 of the submissions does not count toward it. Last evaluated 2025-04-28.

Conditions:
NPHP4-related disorder. Also called: NPHP4-related condition; NPHP4-related disorders. Identifiers: MedGen CN239384.
Nephronophthisis. Also called: Juvenile Nephronophthisis. Identifiers: Orphanet 655, MedGen C0687120, MONDO:0019005, HP:0000090.

Allele frequency attached by ClinVar (database versions not stated): gnomAD exomes 0.00001; gnomAD 0.00002; TOPMed 0.00002.
gnomAD v4.1: 15 of 1,595,210 alleles (0.00094%); highest among the groups gnomAD compares: African/African-American, 0.0027%; no homozygotes.

Submissions (2):

Labcorp Genetics (formerly Invitae), Labcorp
Classification: Uncertain significance for Nephronophthisis. Last evaluated: 2025-04-28. Review status: criteria provided, single submitter. Criteria: Invitae Variant Classification Sherloc (09022015). Collection method: clinical testing. Allele origin: germline.
Comment: This sequence change replaces serine, which is neutral and polar, with leucine, which is neutral and non-polar, at codon 1215 of the NPHP4 protein (p.Ser1215Leu). This variant is present in population databases (no rsID available, gnomAD 0.004%). This variant has not been reported in the literature in individuals affected with NPHP4-related conditions. ClinVar contains an entry for this variant (Variation ID: 2163523). An algorithm developed to predict the effect of missense changes on protein structure and function (PolyPhen-2) suggests that this variant is likely to be tolerated. In summary, the available evidence is currently insufficient to determine the role of this variant in disease. Therefore, it has been classified as a Variant of Uncertain Significance.

PreventionGenetics, part of Exact Sciences
Classification: Uncertain significance for NPHP4-related condition. Last evaluated: 2024-03-01. Review status: no assertion criteria provided. Collection method: clinical testing. Allele origin: germline. Not counted in ClinVar's aggregate classification.
Comment: The NPHP4 c.3644C>T variant is predicted to result in the amino acid substitution p.Ser1215Leu. To our knowledge, this variant has not been reported in the literature. This variant is reported in 0.0044% of alleles in individuals of African descent in gnomAD. At this time, the clinical significance of this variant is uncertain due to the absence of conclusive functional and genetic evidence.